The following is an entry in ClinVar:

NM_139058.3(ARX):c.590del (p.Gly197fs)

Gene: ARX (aristaless related homeobox; minus strand). Cytogenetic location: Xp21.3.
Variant type: Deletion.
Coding change: c.590del on transcript NM_139058.3 (MANE Select); coding-DNA position 590, one base deleted (G; older notation c.590delG).
Protein change: p.Gly197fs; shifts the reading frame from glycine 197.
Molecular consequence: frameshift variant.
Genome position (GRCh38, 1-based): chrX:25,013,405, C deleted on the plus strand (G on the coding strand, the reverse complement: ARX is on the minus strand); the first of 6 consecutive C bases (chrX:25,013,405-25,013,410); deleting any one gives the same sequence. VCF-style (leftmost placement, unchanged base first): chrX-25013404-GC-G. GRCh37 (hg19) VCF-style: chrX-25031521-GC-G.
Other names: short protein forms G197fs.
Identifiers: ClinVar variation 4071627 (VCV004071627.1).

ClinVar aggregate classification (germline): Pathogenic/Likely pathogenic. Review status: criteria provided, multiple submitters, no conflicts (2 of 4 stars). 2 submissions from 2 submitters: Pathogenic (1); Likely pathogenic (1). Last evaluated 2025-12-11.

Conditions:
X-linked ARX-related disorders.

Submissions (2):

Variantyx, Inc.
Classification: Likely pathogenic for X-linked ARX-related disorders. Last evaluated: 2025-12-11. Review status: criteria provided, single submitter. Criteria: Variantyx Assertion Criteria 2022. Collection method: clinical testing. Allele origin: maternal. Inheritance: X-linked recessive inheritance. Affected: yes.
Comment: This is a frameshift variant in the ARX gene (OMIM: 300382). Pathogenic variants in this gene have been associated with X-linked ARX-related disorders. This variant introduces a premature termination codon in exon 2 out of 5 and is expected to result in loss of function, which is a known disease mechanism for ARX in this disorder (PMID: 12379852, 14722918) (PVS1). This variant is absent from control populations (PM2) and has not been reported in individuals with ARX-related disorders in the databases available for review. Based on the current evidence, this variant is classified as likely pathogenic for X-linked ARX-related disorders.

GeneDx
Classification: Pathogenic. Last evaluated: 2025-01-22. Review status: criteria provided, single submitter. Criteria: GeneDx Variant Classification Process June 2021. Collection method: clinical testing. Allele origin: germline. Affected: yes.
Comment: Frameshift variant predicted to result in protein truncation or nonsense mediated decay in a gene for which loss of function is a known mechanism of disease; Not observed at significant frequency in large population cohorts (gnomAD); Has not been previously published as pathogenic or benign to our knowledge

Literature cited by the submitters: PubMed 12379852 (cited by Variantyx, Inc.); PubMed 14722918 (cited by Variantyx, Inc.).